The following is an entry in ClinVar:

NM_002317.7(LOX):c.95C>T (p.Pro32Leu)

Genes: LOX (lysyl oxidase; minus strand), SRFBP1 (serum response factor binding protein 1; plus strand). Cytogenetic location: 5q23.1.
Variant type: single nucleotide variant.
Coding change: c.95C>T on transcript NM_002317.7 (MANE Select); coding-DNA position 95, C replaced by T.
Protein change: p.Pro32Leu; replaces proline 32 with leucine.
Molecular consequence: missense variant.
Genome position (GRCh38, 1-based): chr5:122,077,891, G>A on the plus strand (C>T on the coding strand, the complement: LOX is on the minus strand). VCF-style: chr5-122077891-G-A. GRCh37 (hg19) VCF-style: chr5-121413586-G-A.
Other names: c.95C>T (NM_002317.5); short protein forms P32L.
Identifiers: ClinVar variation 1678849 (VCV001678849.12), dbSNP rs780762236, ClinGen allele CA3384124.

ClinVar aggregate classification (germline): Likely benign. Review status: criteria provided, multiple submitters, no conflicts (2 of 4 stars). 5 submissions from 5 submitters: Likely benign (5). Last evaluated 2025-12-08.

Conditions:
Cardiovascular phenotype. Identifiers: MedGen CN230736.

Allele frequency attached by ClinVar (database versions not stated): 1000 Genomes Project 30x 0.00016; ExAC 0.00049.
gnomAD v4.1: 68 of 1,527,572 alleles (0.0045%); highest among the groups gnomAD compares: East Asian, 0.15%; no homozygotes.

Submissions (5):

Labcorp Genetics (formerly Invitae), Labcorp
Classification: Likely benign. Last evaluated: 2025-12-08. Review status: criteria provided, single submitter. Criteria: Invitae Variant Classification Sherloc (09022015). Collection method: clinical testing. Allele origin: germline.

Women's Health and Genetics/Laboratory Corporation of America, LabCorp
Classification: Likely benign. Last evaluated: 2024-03-28. Review status: criteria provided, single submitter. Criteria: LabCorp Variant Classification Summary - May 2015. Collection method: clinical testing. Allele origin: germline.

Ambry Genetics
Classification: Likely benign for Cardiovascular phenotype. Last evaluated: 2023-05-30. Review status: criteria provided, single submitter. Criteria: Ambry Variant Classification Scheme 2023. Collection method: clinical testing. Allele origin: germline.

Blueprint Genetics
Classification: Likely benign. Last evaluated: 2021-11-10. Review status: criteria provided, single submitter. Criteria: ACMG Guidelines, 2015. Collection method: clinical testing. Allele origin: germline.

GeneDx
Classification: Likely benign. Last evaluated: 2020-08-26. Review status: criteria provided, single submitter. Criteria: GeneDx Variant Classification Process June 2021. Collection method: clinical testing. Allele origin: germline. Affected: yes.
Comment: See Variant Classification Assertion Criteria.